The following is an entry in ClinVar:

ClinVar aggregate classification (germline): Uncertain significance (1 of 4 stars; one submission).

Conditions:
Inborn genetic diseases. Identifiers: MedGen C0950123, MeSH D030342.

Allele frequency attached by ClinVar (database versions not stated): gnomAD exomes below 0.00001; ExAC 0.00001; gnomAD 0.00002; TOPMed 0.00002.
gnomAD v4.1: 4 of 1,613,548 alleles (0.00025%); highest among the groups gnomAD compares: Non-Finnish European, 0.00034%; no homozygotes.

Submission:

Ambry Genetics
Classification: Uncertain significance for Inborn genetic diseases. Last evaluated: 2024-01-11. Review status: criteria provided, single submitter. Criteria: Ambry Variant Classification Scheme 2023. Collection method: clinical testing. Allele origin: germline.
Comment: The p.A1507P variant (also known as c.4519G>C), located in coding exon 26 of the ATR gene, results from a G to C substitution at nucleotide position 4519. The alanine at codon 1507 is replaced by proline, an amino acid with highly similar properties. This amino acid position is conserved. In addition, this alteration is predicted to be tolerated by in silico analysis. Since supporting evidence is limited at this time, the clinical significance of this alteration remains unclear.

NM_001184.4(ATR):c.4519G>C (p.Ala1507Pro)

Gene: ATR (ATR checkpoint kinase; minus strand). Cytogenetic location: 3q23.
Variant type: single nucleotide variant.
Coding change: c.4519G>C on transcript NM_001184.4 (MANE Select); coding-DNA position 4519, G replaced by C.
Protein change: p.Ala1507Pro; replaces alanine 1507 with proline.
Molecular consequence: missense variant.
Genome position (GRCh38, 1-based): chr3:142,513,623, C>G on the plus strand (G>C on the coding strand, the complement: ATR is on the minus strand). VCF-style: chr3-142513623-C-G. GRCh37 (hg19) VCF-style: chr3-142232465-C-G.
Other names: c.4327G>C, p.Ala1443Pro (NM_001354579.2); short protein forms A1443P, A1507P.
Identifiers: ClinVar variation 1741179 (VCV001741179.2), dbSNP rs763459447, ClinGen allele CA2649821.